The following is an entry in ClinVar:

NM_001356.5(DDX3X):c.328C>T (p.Arg110Cys)

Gene: DDX3X (DEAD-box helicase 3 X-linked; plus strand). Cytogenetic location: Xp11.4.
Variant type: single nucleotide variant.
Coding change: c.328C>T on transcript NM_001356.5 (MANE Select); coding-DNA position 328, C replaced by T.
Protein change: p.Arg110Cys; replaces arginine 110 with cysteine.
Molecular consequence: missense variant. On other transcripts: 5 prime UTR variant (1), non-coding transcript variant (1).
Genome position (GRCh38, 1-based): chrX:41,342,538, C>T. VCF-style: chrX-41342538-C-T. GRCh37 (hg19) VCF-style: chrX-41201791-C-T.
Other names: c.328C>T, p.Arg110Cys (NM_001193416.3); c.280C>T, p.Arg94Cys (NM_001193417.3); c.-231C>T (NM_001363819.1); short protein forms R110C, R94C.
Identifiers: ClinVar variation 4083156 (VCV004083156.2).
Genomic context (GRCh38, chrX:41,342,538, plus strand): 5'-TTGCTTGTGCTGTTCAGGTTTGATGATCGTGGACGGAGTGATTACGATGGCATTGGCAGC[C>T]GTGGTGACAGAAGTGGCTTTGGCAAATTTGAACGTGGTGGAAACAGTCGCTGGTGTGACA-3'
Protein context (NP_001347.3, residues 100-120): GRSDYDGIGS[Arg110Cys]GDRSGFGKFE

ClinVar aggregate classification (germline): Uncertain significance (1 of 4 stars; one submission).

Submission:

GeneDx
Classification: Uncertain significance. Last evaluated: 2026-04-30. Review status: criteria provided, single submitter. Criteria: GeneDx Variant Classification Process June 2021. Collection method: clinical testing. Allele origin: germline.
Comment: Not observed at significant frequency in large population cohorts (gnomAD); In silico analysis supports that this missense variant has a deleterious effect on protein structure/function; Has not been previously published as pathogenic or benign to our knowledge.